The following is an entry in ClinVar:

NM_002734.5(PRKAR1A):c.1065T>G (p.Phe355Leu)

Gene: PRKAR1A (protein kinase cAMP-dependent type I regulatory subunit alpha; plus strand). Cytogenetic location: 17q24.2.
Variant type: single nucleotide variant.
Coding change: c.1065T>G on transcript NM_002734.5 (MANE Select); coding-DNA position 1065, T replaced by G.
Protein change: p.Phe355Leu; replaces phenylalanine 355 with leucine.
Molecular consequence: missense variant. On other transcripts: intron variant (1).
Genome position (GRCh38, 1-based): chr17:68,530,368, T>G. VCF-style: chr17-68530368-T-G. GRCh37 (hg19) VCF-style: chr17-66526509-T-G.
Other names: c.1065T>G, p.Phe355Leu (NM_001276289.2, NM_001278433.2, NM_001369389.1 and 3 more transcripts); c.973+367T>G (NM_001276290.1); short protein forms F355L.
Identifiers: ClinVar variation 3783312 (VCV003783312.1).

ClinVar aggregate classification (germline): Uncertain significance (1 of 4 stars; one submission).

Conditions:
Hereditary cancer-predisposing syndrome. Also called: Neoplastic Syndromes, Hereditary; Hereditary Cancer Syndrome; Tumor predisposition; Hereditary neoplastic syndrome. Identifiers: Orphanet 140162, MedGen C0027672, MeSH D009386, MONDO:0015356.

Submission:

Ambry Genetics
Classification: Uncertain significance for Hereditary cancer-predisposing syndrome. Last evaluated: 2025-02-08. Review status: criteria provided, single submitter. Criteria: Ambry Variant Classification Scheme 2023. Collection method: clinical testing. Allele origin: germline.
Comment: The p.F355L variant (also known as c.1065T>G), located in coding exon 10 of the PRKAR1A gene, results from a T to G substitution at nucleotide position 1065. The phenylalanine at codon 355 is replaced by leucine, an amino acid with highly similar properties. This amino acid position is conserved. In addition, this alteration is predicted to be deleterious by in silico analysis. Based on the available evidence, the clinical significance of this variant remains unclear.